The following is an entry in ClinVar:

NM_003848.4(SUCLG2):c.847G>A (p.Glu283Lys)

Gene: SUCLG2 (succinate-CoA ligase GDP-forming subunit beta; minus strand). Cytogenetic location: 3p14.1.
Variant type: single nucleotide variant.
Coding change: c.847G>A on transcript NM_003848.4 (MANE Select); coding-DNA position 847, G replaced by A.
Protein change: p.Glu283Lys; replaces glutamic acid 283 with lysine.
Molecular consequence: missense variant.
Genome position (GRCh38, 1-based): chr3:67,498,206, C>T on the plus strand (G>A on the coding strand, the complement: SUCLG2 is on the minus strand). VCF-style: chr3-67498206-C-T. GRCh37 (hg19) VCF-style: chr3-67548630-C-T.
Other names: c.847G>A, p.Glu283Lys (NM_001177599.2); short protein forms E283K.
Identifiers: ClinVar variation 3662433 (VCV003662433.2).

ClinVar aggregate classification (germline): Uncertain significance (1 of 4 stars; one submission).

Submission:

Labcorp Genetics (formerly Invitae), Labcorp
Classification: Uncertain significance. Last evaluated: 2024-10-31. Review status: criteria provided, single submitter. Criteria: Invitae Variant Classification Sherloc (09022015). Collection method: clinical testing. Allele origin: germline.
Comment: This sequence change replaces glutamic acid, which is acidic and polar, with lysine, which is basic and polar, at codon 283 of the SUCLG2 protein (p.Glu283Lys). This variant is not present in population databases (gnomAD no frequency). This variant has not been reported in the literature in individuals affected with SUCLG2-related conditions. An algorithm developed to predict the effect of missense changes on protein structure and function (PolyPhen-2) suggests that this variant is likely to be tolerated. In summary, the available evidence is currently insufficient to determine the role of this variant in disease. Therefore, it has been classified as a Variant of Uncertain Significance.